The following is an entry in ClinVar:

NM_001041.4(SI):c.1933C>G (p.Leu645Val)

Gene: SI (sucrase-isomaltase; minus strand). Cytogenetic location: 3q26.1.
Variant type: single nucleotide variant.
Coding change: c.1933C>G on transcript NM_001041.4 (MANE Select); coding-DNA position 1933, C replaced by G.
Protein change: p.Leu645Val; replaces leucine 645 with valine.
Molecular consequence: missense variant.
Genome position (GRCh38, 1-based): chr3:165,043,130, G>C on the plus strand (C>G on the coding strand, the complement: SI is on the minus strand). VCF-style: chr3-165043130-G-C. GRCh37 (hg19) VCF-style: chr3-164760918-G-C.
Other names: short protein forms L645V.
Identifiers: ClinVar variation 1421555 (VCV001421555.6), dbSNP rs769364000, ClinGen allele CA2690899.

ClinVar aggregate classification (germline): Uncertain significance (1 of 4 stars; one submission).

Submission:

Labcorp Genetics (formerly Invitae), Labcorp
Classification: Uncertain significance. Last evaluated: 2022-12-06. Review status: criteria provided, single submitter. Criteria: Invitae Variant Classification Sherloc (09022015). Collection method: clinical testing. Allele origin: germline.
Comment: This sequence change replaces leucine, which is neutral and non-polar, with valine, which is neutral and non-polar, at codon 645 of the SI protein (p.Leu645Val). This variant is present in population databases (rs769364000, gnomAD 0.01%). This variant has not been reported in the literature in individuals affected with SI-related conditions. ClinVar contains an entry for this variant (Variation ID: 1421555). Advanced modeling of protein sequence and biophysical properties (such as structural, functional, and spatial information, amino acid conservation, physicochemical variation, residue mobility, and thermodynamic stability) has been performed at Invitae for this missense variant, however the output from this modeling did not meet the statistical confidence thresholds required to predict the impact of this variant on SI protein function. In summary, the available evidence is currently insufficient to determine the role of this variant in disease. Therefore, it has been classified as a Variant of Uncertain Significance.